The following is an entry in ClinVar:

NM_001018005.2(TPM1):c.607A>G (p.Asn203Asp)

Gene: TPM1 (tropomyosin 1; plus strand). Cytogenetic location: 15q22.2.
Variant type: single nucleotide variant.
Coding change: c.607A>G on transcript NM_001018005.2 (MANE Select); coding-DNA position 607, A replaced by G.
Protein change: p.Asn203Asp; replaces asparagine 203 with aspartic acid.
Molecular consequence: missense variant. On other transcripts: intron variant (6).
Genome position (GRCh38, 1-based): chr15:63,061,756, A>G. VCF-style: chr15-63061756-A-G. GRCh37 (hg19) VCF-style: chr15-63353955-A-G.
Other names: c.607A>G, p.Asn203Asp (NM_001018004.2, NM_001018007.2, NM_001301244.2 and 3 more transcripts); c.499A>G, p.Asn167Asp (NM_001018008.2, NM_001301289.2, NM_001330346.2 and 2 more transcripts); c.733A>G, p.Asn245Asp (NM_001365778.1); c.640-459A>G (NM_001018020.2, NM_001018006.2, NM_000366.6); c.532-459A>G (NM_001330351.2, NM_001330344.2, NM_001365781.2); short protein forms N203D, N245D, N167D.
Identifiers: ClinVar variation 525044 (VCV000525044.11), dbSNP rs1555409523, ClinGen allele CA392724224.

ClinVar aggregate classification (germline): Uncertain significance. Review status: criteria provided, single submitter (1 of 4 stars). 3 submissions from 3 submitters: Uncertain significance (1). 2 of the submissions do not count toward it. Last evaluated 2017-09-20.

Conditions:
Hypertrophic cardiomyopathy. Also called: HYPERTROPHIC MYOCARDIOPATHY. Identifiers: Orphanet 217569, MedGen C0007194, MeSH D002312, MONDO:0005045, HP:0001639.

Submissions (3):

Labcorp Genetics (formerly Invitae), Labcorp
Classification: Uncertain significance for Hypertrophic cardiomyopathy. Last evaluated: 2017-09-20. Review status: criteria provided, single submitter. Criteria: Invitae Variant Classification Sherloc (09022015). Collection method: clinical testing. Allele origin: germline.
Comment: This sequence change replaces asparagine with aspartic acid at codon 203 of the TPM1 protein (p.Asn203Asp). The asparagine residue is moderately conserved and there is a small physicochemical difference between asparagine and aspartic acid. This variant is not present in population databases (ExAC no frequency). This variant has not been reported in the literature in individuals with TPM1-related disease. Algorithms developed to predict the effect of missense changes on protein structure and function (SIFT, PolyPhen-2, Align-GVGD) all suggest that this variant is likely to be tolerated, but these predictions have not been confirmed by published functional studies and their clinical significance is uncertain. In summary, the available evidence is currently insufficient to determine the role of this variant in disease. Therefore, it has been classified as a Variant of Uncertain Significance.

Genome Diagnostics Laboratory, University Medical Center Utrecht
Classification: Likely pathogenic. Review status: no assertion criteria provided. Collection method: clinical testing. Allele origin: germline. Affected: yes. Study: VKGL Data-share Consensus. Not counted in ClinVar's aggregate classification.

Joint Genome Diagnostic Labs from Nijmegen and Maastricht, Radboudumc and MUMC+
Classification: Likely pathogenic. Review status: no assertion criteria provided. Collection method: clinical testing. Allele origin: germline. Affected: yes. Study: VKGL Data-share Consensus. Not counted in ClinVar's aggregate classification.